The following is an entry in ClinVar:

NM_053013.4(ENO3):c.789G>A (p.Ser263=)

Gene: ENO3 (enolase 3; plus strand). Cytogenetic location: 17p13.2.
Variant type: single nucleotide variant.
Coding change: c.789G>A on transcript NM_053013.4 (MANE Select); coding-DNA position 789, G replaced by A.
Protein change: p.Ser263=; no amino-acid change (serine 263 retained).
Molecular consequence: synonymous variant.
Genome position (GRCh38, 1-based): chr17:4,955,528, G>A. VCF-style: chr17-4955528-G-A. GRCh37 (hg19) VCF-style: chr17-4858823-G-A.
Other names: p.Ser263=; c.660G>A, p.Ser220= (NM_001193503.2); c.789G>A, p.Ser263= (NM_001976.5).
Identifiers: ClinVar variation 324145 (VCV000324145.16), dbSNP rs75748087, ClinGen allele CA8316431.

ClinVar aggregate classification (germline): Benign. Review status: criteria provided, multiple submitters, no conflicts (2 of 4 stars). 5 submissions from 5 submitters: Benign (5). Last evaluated 2026-02-01.

Conditions:
Glycogen storage disease due to muscle beta-enolase deficiency (GSD13). Also called: ENOLASE 3 DEFICIENCY; ENOLASE-BETA DEFICIENCY; GSD XIII; Glycogen Storage Disease Type XIII. Identifiers: Orphanet 99849, MedGen C2752027, MONDO:0013046, OMIM 612932.

Allele frequency attached by ClinVar (database versions not stated): ESP Exome Variant Server 0.00753; TOPMed 0.00842; 1000 Genomes Project 0.00879; 1000 Genomes Project 30x 0.01077.
gnomAD v4.1: 2,287 of 1,614,190 alleles (0.14%); highest among the groups gnomAD compares: African/African-American, 2.6%; 30 homozygotes.

Submissions (5):

Labcorp Genetics (formerly Invitae), Labcorp
Classification: Benign for Glycogen storage disease due to muscle beta-enolase deficiency. Last evaluated: 2026-02-01. Review status: criteria provided, single submitter. Criteria: Invitae Variant Classification Sherloc (09022015). Collection method: clinical testing. Allele origin: germline.

ARUP Laboratories, Molecular Genetics and Genomics, ARUP Laboratories
Classification: Benign for Glycogen storage disease due to muscle beta-enolase deficiency. Last evaluated: 2023-09-28. Review status: criteria provided, single submitter. Criteria: ARUP Molecular Germline Variant Investigation Process 2024. Collection method: clinical testing. Allele origin: germline.

Mayo Clinic Laboratories, Mayo Clinic
Classification: Benign. Last evaluated: 2018-07-11. Review status: criteria provided, single submitter. Criteria: ACMG Guidelines, 2015. Collection method: clinical testing. Allele origin: germline. Observed: 10 variant alleles.

Illumina Laboratory Services, Illumina
Classification: Benign for Glycogen storage disease due to muscle beta-enolase deficiency. Last evaluated: 2018-01-12. Review status: criteria provided, single submitter. Criteria: ICSL Variant Classification Criteria 13 December 2019. Collection method: clinical testing. Allele origin: germline.
Comment: This variant was observed in the ICSL laboratory as part of a predisposition screen in an ostensibly healthy population. It had not been previously curated by ICSL or reported in the Human Gene Mutation Database (HGMD: prior to June 1st, 2018), and was therefore a candidate for classification through an automated scoring system. Utilizing variant allele frequency, disease prevalence and penetrance estimates, and inheritance mode, an automated score was calculated to assess if this variant is too frequent to cause the disease. Based on the score and internal cut-off values, a variant classified as benign is not then subjected to further curation. The score for this variant resulted in a classification of benign for this disease.

GeneDx
Classification: Benign. Last evaluated: 2015-12-17. Review status: criteria provided, single submitter. Criteria: GeneDx Variant Classification (06012015). Collection method: clinical testing. Allele origin: germline. Affected: yes.
Comment: This variant is considered likely benign or benign based on one or more of the following criteria: it is a conservative change, it occurs at a poorly conserved position in the protein, it is predicted to be benign by multiple in silico algorithms, and/or has population frequency not consistent with disease.